The following is an entry in ClinVar:

ClinVar aggregate classification (germline): Conflicting classifications of pathogenicity. Review status: criteria provided, conflicting classifications (1 of 4 stars). 3 submissions from 3 submitters: Uncertain significance (1); Likely benign (1). 1 of the submissions does not count toward it. Last evaluated 2025-04-14.

Conditions:
DNAH9-related disorder. Also called: DNAH9-related condition.

Allele frequency attached by ClinVar (database versions not stated): TOPMed 0.00002; ExAC 0.00006; gnomAD 0.00009.
gnomAD v4.1: 82 of 1,570,316 alleles (0.0052%); highest among the groups gnomAD compares: Non-Finnish European, 0.0062%; no homozygotes.

Submissions (3):

Labcorp Genetics (formerly Invitae), Labcorp
Classification: Uncertain significance. Last evaluated: 2025-04-14. Review status: criteria provided, single submitter. Criteria: Invitae Variant Classification Sherloc (09022015). Collection method: clinical testing. Allele origin: germline.
Comment: This sequence change falls in intron 34 of the DNAH9 gene. It does not directly change the encoded amino acid sequence of the DNAH9 protein. It affects a nucleotide within the consensus splice site. This variant is present in population databases (rs373262690, gnomAD 0.01%). This variant has not been reported in the literature in individuals affected with DNAH9-related conditions. ClinVar contains an entry for this variant (Variation ID: 2168819). Variants that disrupt the consensus splice site are a relatively common cause of aberrant splicing (PMID: 17576681, 9536098). Algorithms developed to predict the effect of sequence changes on RNA splicing suggest that this variant is not likely to affect RNA splicing. In summary, the available evidence is currently insufficient to determine the role of this variant in disease. Therefore, it has been classified as a Variant of Uncertain Significance.

Laboratory of Genetics, Children's Clinical University Hospital Latvia
Classification: Likely benign. Last evaluated: 2025-02-16. Review status: criteria provided, single submitter. Criteria: ACMG Guidelines, 2015. Collection method: clinical testing. Allele origin: germline. Affected: yes.

PreventionGenetics, part of Exact Sciences
Classification: Likely benign for DNAH9-related condition. Last evaluated: 2024-01-05. Review status: no assertion criteria provided. Collection method: clinical testing. Allele origin: germline. Not counted in ClinVar's aggregate classification.
Comment: This variant is classified as likely benign based on ACMG/AMP sequence variant interpretation guidelines (Richards et al. 2015 PMID: 25741868, with internal and published modifications).

Literature cited by the submitters: PubMed 17576681 (cited by Labcorp Genetics (formerly Invitae), Labcorp); PubMed 9536098 (cited by Labcorp Genetics (formerly Invitae), Labcorp).

NM_001372.4(DNAH9):c.6847+5G>A

Gene: DNAH9 (dynein axonemal heavy chain 9; plus strand). Cytogenetic location: 17p12.
Variant type: single nucleotide variant.
Coding change: c.6847+5G>A on transcript NM_001372.4 (MANE Select); 5 bases into the intron after coding-DNA position 6847, G replaced by A.
Molecular consequence: intron variant.
Genome position (GRCh38, 1-based): chr17:11,756,681, G>A. VCF-style: chr17-11756681-G-A. GRCh37 (hg19) VCF-style: chr17-11659998-G-A.
Other names: c.6847+5G>A (NM_001372.3).
Identifiers: ClinVar variation 2168819 (VCV002168819.6), dbSNP rs373262690, ClinGen allele CA8396431.
Genomic context (GRCh38, chr17:11,756,681, plus strand): 5'-CCTCTTTGAGATCAGCCACCTGCGCACAGCCACTCCAGCAACTGTCTCTAGAGCAGGTAC[G>A]GCCCAAGAAGGGAAGAACCACAAAGCTACTCCACTTAGGGAGGTACCTCTGGCTTCACAC-3'